The following is an entry in ClinVar:

ClinVar aggregate classification (germline): Uncertain significance (1 of 4 stars; one submission).

Submission:

GeneDx
Classification: Uncertain significance. Last evaluated: 2024-03-13. Review status: criteria provided, single submitter. Criteria: GeneDx Variant Classification Process June 2021. Collection method: clinical testing. Allele origin: germline. Affected: yes.
Comment: Has not been previously published as pathogenic or benign to our knowledge; Not observed at significant frequency in large population cohorts (gnomAD); In silico analysis supports that this missense variant does not alter protein structure/function

NM_022114.4(PRDM16):c.636A>C (p.Glu212Asp)

Gene: PRDM16 (PR/SET domain 16; plus strand). Cytogenetic location: 1p36.32.
Variant type: single nucleotide variant.
Coding change: c.636A>C on transcript NM_022114.4 (MANE Select); coding-DNA position 636, A replaced by C.
Protein change: p.Glu212Asp; replaces glutamic acid 212 with aspartic acid.
Molecular consequence: missense variant.
Genome position (GRCh38, 1-based): chr1:3,396,553, A>C. VCF-style: chr1-3396553-A-C. GRCh37 (hg19) VCF-style: chr1-3313117-A-C.
Other names: c.636A>C, p.Glu212Asp (NM_199454.3); short protein forms E212D.
Identifiers: ClinVar variation 3370724 (VCV003370724.1).